The following is an entry in ClinVar:

ClinVar aggregate classification (germline): Pathogenic (1 of 4 stars; one submission).

Conditions:
Neurofibromatosis, type 1 (NF1). Also called: Peripheral type neurofibromatosis; Neurofibromatosis, type I; VON RECKLINGHAUSEN DISEASE; NEUROFIBROMATOSIS, TYPE I, SOMATIC. Identifiers: Orphanet 636, MedGen C0027831, MONDO:0018975, OMIM 162200. Disease mechanism: loss of function.

Submission:

Labcorp Genetics (formerly Invitae), Labcorp
Classification: Pathogenic for Neurofibromatosis, type 1. Last evaluated: 2021-09-05. Review status: criteria provided, single submitter. Criteria: Invitae Variant Classification Sherloc (09022015). Collection method: clinical testing. Allele origin: germline.
Comment: This sequence change creates a premature translational stop signal (p.Leu731Profs*6) in the NF1 gene. It is expected to result in an absent or disrupted protein product. Loss-of-function variants in NF1 are known to be pathogenic (PMID: 10712197, 23913538). This variant is not present in population databases (ExAC no frequency). For these reasons, this variant has been classified as Pathogenic. This variant has not been reported in the literature in individuals affected with NF1-related conditions.

Literature cited by the submitters: PubMed 10712197; PubMed 23913538.

NM_001042492.3(NF1):c.2191dup (p.Leu731fs)

Gene: NF1 (neurofibromin 1; plus strand). Cytogenetic location: 17q11.2.
Variant type: Duplication.
Coding change: c.2191dup on transcript NM_001042492.3 (MANE Select); coding-DNA position 2191, one base duplicated (C; older notation c.2191dupC).
Protein change: p.Leu731fs; shifts the reading frame from leucine 731.
Molecular consequence: frameshift variant.
Genome position (GRCh38, 1-based): chr17:31,226,624, C duplicated; the last of 2 consecutive C bases (chr17:31,226,623-31,226,624); duplicating either gives the same sequence. VCF-style (leftmost placement, unchanged base first): chr17-31226622-A-AC. GRCh37 (hg19) VCF-style: chr17-29553640-A-AC.
Other names: c.2191dup, p.Leu731Profs (NM_000267.4); short protein forms L731fs.
Identifiers: ClinVar variation 1418755 (VCV001418755.6), dbSNP rs2151426027, ClinGen allele CA2573153261.
Genomic context (GRCh38, chr17:31,226,622, plus strand): 5'-TCCGCCACCTCTGTGAGGAAGCAGATATCCGGTGTGGGGTGGATGAAGTGTCAGTGCATA[A>AC]CCTCTTGCCCAACTATAACACATTCATGGAGTTTGCCTCTGTCAGCAATATGATGTCAAC-3'